The following is an entry in ClinVar:

ClinVar aggregate classification (germline): Uncertain significance (1 of 4 stars; one submission).

Submission:

Ambry Genetics
Classification: Uncertain significance. Last evaluated: 2025-10-01. Review status: criteria provided, single submitter. Criteria: Ambry Variant Classification Scheme 2023. Collection method: clinical testing. Allele origin: germline.
Comment: The p.S138R variant (also known as c.412A>C), located in coding exon 3 of the GFI1 gene, results from an A to C substitution at nucleotide position 412. The serine at codon 138 is replaced by arginine, an amino acid with dissimilar properties. This amino acid position is conserved. In addition, this alteration is predicted to be tolerated by in silico analysis. Based on the available evidence, the clinical significance of this variant remains unclear.

NM_005263.5(GFI1):c.412A>C (p.Ser138Arg)

Gene: GFI1 (growth factor independent 1 transcriptional repressor; minus strand). Cytogenetic location: 1p22.1.
Variant type: single nucleotide variant.
Coding change: c.412A>C on transcript NM_005263.5 (MANE Select); coding-DNA position 412, A replaced by C.
Protein change: p.Ser138Arg; replaces serine 138 with arginine.
Molecular consequence: missense variant.
Genome position (GRCh38, 1-based): chr1:92,480,975, T>G on the plus strand (A>C on the coding strand, the complement: GFI1 is on the minus strand). VCF-style: chr1-92480975-T-G. GRCh37 (hg19) VCF-style: chr1-92946532-T-G.
Other names: c.412A>C, p.Ser138Arg (NM_001127215.3, NM_001127216.3); short protein forms S138R.
Identifiers: ClinVar variation 4671563 (VCV004671563.1).
Genomic context (GRCh38, chr1:92,480,975, plus strand): 5'-CGGGTTCGCAGAAGAGGCCCAGGCCAGCGCCACGCTCCAGGGCCCCACACGGTCGGTAGC[T>G]CTGCACCAGGTGCCGCAGGTCAGAACCCGCCAGGCCGCTCCATGAGTACGGTTTGAAAGG-3'
Protein context (NP_005254.2, residues 128-148): AGSDLRHLVQ[Ser138Arg]YRPCGALERG